The following is an entry in ClinVar:

NM_000492.4(CFTR):c.2123T>C (p.Ile708Thr)

Gene: CFTR (CF transmembrane conductance regulator; plus strand). Cytogenetic location: 7q31.2.
Variant type: single nucleotide variant.
Coding change: c.2123T>C on transcript NM_000492.4 (MANE Select); coding-DNA position 2123, T replaced by C.
Protein change: p.Ile708Thr; replaces isoleucine 708 with threonine.
Molecular consequence: missense variant.
Genome position (GRCh38, 1-based): chr7:117,592,290, T>C. VCF-style: chr7-117592290-T-C. GRCh37 (hg19) VCF-style: chr7-117232344-T-C.
Other names: short protein forms I708T.
Identifiers: ClinVar variation 1786277 (VCV001786277.5), dbSNP rs769375972, ClinGen allele CA4451144.

ClinVar aggregate classification (germline): Uncertain significance. Review status: criteria provided, multiple submitters, no conflicts (2 of 4 stars). 2 submissions from 2 submitters: Uncertain significance (2). Last evaluated 2024-06-24.

Conditions:
Cystic fibrosis (CF). Also called: MUCOVISCIDOSIS. Identifiers: Orphanet 586, MedGen C0010674, MONDO:0009061, OMIM 219700. Disease mechanism: loss of function.

Allele frequency attached by ClinVar (database versions not stated): gnomAD exomes below 0.00001; gnomAD 0.00001; TOPMed 0.00001; ExAC 0.00001.
gnomAD v4.1: 4 of 1,613,926 alleles (0.00025%); highest among the groups gnomAD compares: Admixed American, 0.0067%; no homozygotes.

Submissions (2):

Labcorp Genetics (formerly Invitae), Labcorp
Classification: Uncertain significance for Cystic fibrosis. Last evaluated: 2024-06-24. Review status: criteria provided, single submitter. Criteria: Invitae Variant Classification Sherloc (09022015). Collection method: clinical testing. Allele origin: germline.
Comment: This sequence change replaces isoleucine, which is neutral and non-polar, with threonine, which is neutral and polar, at codon 708 of the CFTR protein (p.Ile708Thr). This variant is present in population databases (rs769375972, gnomAD 0.006%). This variant has not been reported in the literature in individuals affected with CFTR-related conditions. ClinVar contains an entry for this variant (Variation ID: 1786277). Advanced modeling of protein sequence and biophysical properties (such as structural, functional, and spatial information, amino acid conservation, physicochemical variation, residue mobility, and thermodynamic stability) performed at Invitae indicates that this missense variant is not expected to disrupt CFTR protein function with a negative predictive value of 80%. In summary, the available evidence is currently insufficient to determine the role of this variant in disease. Therefore, it has been classified as a Variant of Uncertain Significance.

Ambry Genetics
Classification: Uncertain significance for Cystic fibrosis. Last evaluated: 2023-10-27. Review status: criteria provided, single submitter. Criteria: Ambry Variant Classification Scheme 2023. Collection method: clinical testing. Allele origin: germline.
Comment: The p.I708T variant (also known as c.2123T>C), located in coding exon 14 of the CFTR gene, results from a T to C substitution at nucleotide position 2123. The isoleucine at codon 708 is replaced by threonine, an amino acid with similar properties. This amino acid position is poorly conserved in available vertebrate species. In addition, the in silico prediction for this alteration is inconclusive. Since supporting evidence is limited at this time, the clinical significance of this alteration remains unclear.